The following is an entry in ClinVar:

NM_000709.4(BCKDHA):c.109-1G>A

Gene: BCKDHA (branched chain keto acid dehydrogenase E1 subunit alpha; plus strand). Cytogenetic location: 19q13.2.
Variant type: single nucleotide variant.
Coding change: c.109-1G>A on transcript NM_000709.4 (MANE Select); the canonical splice acceptor site of the intron before coding-DNA position 109, G replaced by A.
Molecular consequence: splice acceptor variant.
Genome position (GRCh38, 1-based): chr19:41,410,636, G>A. VCF-style: chr19-41410636-G-A. GRCh37 (hg19) VCF-style: chr19-41916541-G-A.
Other names: c.109-1G>A (NM_001164783.2).
Identifiers: ClinVar variation 1067117 (VCV001067117.8), dbSNP rs2123253583, ClinGen allele CA406004413.

ClinVar aggregate classification (germline): Pathogenic/Likely pathogenic. Review status: criteria provided, multiple submitters, no conflicts (2 of 4 stars). 2 submissions from 2 submitters: Pathogenic (1); Likely pathogenic (1). Last evaluated 2024-06-03.

Conditions:
Maple syrup urine disease (MSUD). Identifiers: Orphanet 511, MedGen C0024776, MeSH D008375, MONDO:0009563. Disease mechanism: loss of function.

Submissions (2):

Women's Health and Genetics/Laboratory Corporation of America, LabCorp
Classification: Likely pathogenic for Maple syrup urine disease. Last evaluated: 2024-06-03. Review status: criteria provided, single submitter. Criteria: LabCorp Variant Classification Summary - May 2015. Collection method: clinical testing. Allele origin: germline.
Comment: Variant summary: BCKDHA c.109-1G>A is located in a canonical splice-site and is predicted to affect mRNA splicing resulting in a significantly altered protein due to either exon skipping, shortening, or inclusion of intronic material. Several computational tools predict a significant impact on normal splicing: Four predict the variant abolishes a 3' acceptor site. However, these predictions have yet to be confirmed by functional studies. The variant was absent in 251366 control chromosomes (gnomAD). To our knowledge, no occurrence of c.109-1G>A in individuals affected with Maple Syrup Urine Disease and no experimental evidence demonstrating its impact on protein function have been reported. ClinVar contains an entry for this variant (Variation ID: 1067117). Based on the evidence outlined above, the variant was classified as likely pathogenic.

Labcorp Genetics (formerly Invitae), Labcorp
Classification: Pathogenic for Maple syrup urine disease. Last evaluated: 2022-12-07. Review status: criteria provided, single submitter. Criteria: Invitae Variant Classification Sherloc (09022015). Collection method: clinical testing. Allele origin: germline.
Comment: This sequence change affects an acceptor splice site in intron 1 of the BCKDHA gene. It is expected to disrupt RNA splicing. Variants that disrupt the donor or acceptor splice site typically lead to a loss of protein function (PMID: 16199547), and loss-of-function variants in BCKDHA are known to be pathogenic (PMID: 16786533, 22593002). This variant is not present in population databases (gnomAD no frequency). Disruption of this splice site has been observed in individual(s) with maple syrup urine disease (Invitae). ClinVar contains an entry for this variant (Variation ID: 1067117). For these reasons, this variant has been classified as Pathogenic. Algorithms developed to predict the effect of sequence changes on RNA splicing suggest that this variant may disrupt the consensus splice site.

Literature cited by the submitters: PubMed 16199547 (cited by Labcorp Genetics (formerly Invitae), Labcorp); PubMed 16786533 (cited by Labcorp Genetics (formerly Invitae), Labcorp); PubMed 22593002 (cited by Labcorp Genetics (formerly Invitae), Labcorp).